The following is an entry in ClinVar:

NM_032551.5(KISS1R):c.759C>T (p.Arg253=)

Gene: KISS1R (KISS1 receptor; plus strand). Cytogenetic location: 19p13.3.
Variant type: single nucleotide variant.
Coding change: c.759C>T on transcript NM_032551.5 (MANE Select); coding-DNA position 759, C replaced by T.
Protein change: p.Arg253=; no amino-acid change (arginine 253 retained).
Molecular consequence: synonymous variant.
Genome position (GRCh38, 1-based): chr19:920,310, C>T. VCF-style: chr19-920310-C-T. GRCh37 (hg19) VCF-style: chr19-920310-C-T.
Identifiers: ClinVar variation 729869 (VCV000729869.6), dbSNP rs764009738, ClinGen allele CA9028840.
Genomic context (GRCh38, chr19:920,310, plus strand): 5'-CCCAGCCTTTCGTCTAACCACCTTCACGGCACCCCCCCAGGGGCAGGTGCTGGCAGAGCG[C>T]GCAGGCGCCGTGCGGGCCAAGGTCTCGCGGCTGGTGGCGGCCGTGGTCCTGCTCTTCGCC-3'
Protein context (NP_115940.2, residues 243-263): SALQGQVLAE[Arg253=]AGAVRAKVSR

ClinVar aggregate classification (germline): Likely benign. Review status: criteria provided, single submitter (1 of 4 stars). 2 submissions from 2 submitters: Likely benign (1). 1 of the submissions does not count toward it. Last evaluated 2019-12-31.

Conditions:
KISS1R-related disorder. Also called: KISS1R-related condition.

Allele frequency attached by ClinVar (database versions not stated): TOPMed 0.00002; ExAC 0.00003; gnomAD exomes 0.00008.
gnomAD v4.1: 18 of 1,570,084 alleles (0.0011%); highest among the groups gnomAD compares: Admixed American, 0.032%; no homozygotes.

Submissions (2):

Labcorp Genetics (formerly Invitae), Labcorp
Classification: Likely benign. Last evaluated: 2019-12-31. Review status: criteria provided, single submitter. Criteria: Invitae Variant Classification Sherloc (09022015). Collection method: clinical testing. Allele origin: germline.

PreventionGenetics, part of Exact Sciences
Classification: Likely benign for KISS1R-related condition. Last evaluated: 2019-08-09. Review status: no assertion criteria provided. Collection method: clinical testing. Allele origin: germline. Not counted in ClinVar's aggregate classification.
Comment: This variant is classified as likely benign based on ACMG/AMP sequence variant interpretation guidelines (Richards et al. 2015 PMID: 25741868, with internal and published modifications).